The following is an entry in ClinVar:

ClinVar aggregate classification (germline): Uncertain significance (1 of 4 stars; one submission).

Submission:

GeneDx
Classification: Uncertain significance. Last evaluated: 2024-08-05. Review status: criteria provided, single submitter. Criteria: GeneDx Variant Classification Process June 2021. Collection method: clinical testing. Allele origin: germline. Affected: yes.
Comment: Not observed at significant frequency in large population cohorts (gnomAD); In silico analysis supports that this missense variant has a deleterious effect on protein structure/function; Has not been previously published as pathogenic or benign to our knowledge

NM_001273.5(CHD4):c.1815T>G (p.Phe605Leu)

Gene: CHD4 (chromodomain helicase DNA binding protein 4; minus strand). Cytogenetic location: 12p13.31.
Variant type: single nucleotide variant.
Coding change: c.1815T>G on transcript NM_001273.5 (MANE Select); coding-DNA position 1815, T replaced by G.
Protein change: p.Phe605Leu; replaces phenylalanine 605 with leucine.
Molecular consequence: missense variant.
Genome position (GRCh38, 1-based): chr12:6,597,971, A>C on the plus strand (T>G on the coding strand, the complement: CHD4 is on the minus strand). VCF-style: chr12-6597971-A-C. GRCh37 (hg19) VCF-style: chr12-6707137-A-C.
Other names: c.1794T>G, p.Phe598Leu (NM_001297553.2); c.1776T>G, p.Phe592Leu (NM_001363606.2); short protein forms F592L, F598L, F605L.
Identifiers: ClinVar variation 3603221 (VCV003603221.1).
Genomic context (GRCh38, chr12:6,597,971, plus strand): 5'-GTGGATCATCATCCACTCGGGTTTTATCCCATAGCGATAGAAGCGTTCCTCCATCTCTGC[A>C]AATTTAGGGTCCTTGTTCTTTCGCTTTCGGCTTTTCTCTTCATCACCACCAAAGTCCCCA-3'
Protein context (NP_001264.2, residues 595-615): SRKRKNKDPK[Phe605Leu]AEMEERFYRY